The following is an entry in ClinVar:

NM_006231.4(POLE):c.3818G>T (p.Arg1273Leu)

Gene: POLE (DNA polymerase epsilon, catalytic subunit; minus strand). Cytogenetic location: 12q24.33.
Variant type: single nucleotide variant.
Coding change: c.3818G>T on transcript NM_006231.4 (MANE Select); coding-DNA position 3818, G replaced by T.
Protein change: p.Arg1273Leu; replaces arginine 1273 with leucine.
Molecular consequence: missense variant.
Genome position (GRCh38, 1-based): chr12:132,649,493, C>A on the plus strand (G>T on the coding strand, the complement: POLE is on the minus strand). VCF-style: chr12-132649493-C-A. GRCh37 (hg19) VCF-style: chr12-133226079-C-A.
Other names: c.3818G>T (NM_006231.2); short protein forms R1273L.
Identifiers: ClinVar variation 405834 (VCV000405834.13), dbSNP rs377324348, ClinGen allele CA16613804.

ClinVar aggregate classification (germline): Conflicting classifications of pathogenicity. Review status: criteria provided, conflicting classifications (1 of 4 stars). 4 submissions from 4 submitters: Uncertain significance (3); Likely benign (1). Last evaluated 2025-11-13.

Conditions:
POLE-related disorder. Also called: POLE-related disorders; POLE-related condition.
Hereditary cancer-predisposing syndrome. Also called: Hereditary Cancer Syndrome; Hereditary neoplastic syndrome; Neoplastic Syndromes, Hereditary; Tumor predisposition. Identifiers: Orphanet 140162, MedGen C0027672, MeSH D009386, MONDO:0015356.

gnomAD v4.1: 1 of 1,612,042 alleles (0.000062%); highest among the groups gnomAD compares: Non-Finnish European, 0.000085%; no homozygotes.

Submissions (4):

Labcorp Genetics (formerly Invitae), Labcorp
Classification: Uncertain significance. Last evaluated: 2025-11-13. Review status: criteria provided, single submitter. Criteria: Invitae Variant Classification Sherloc (09022015). Collection method: clinical testing. Allele origin: germline.
Comment: This sequence change replaces arginine, which is basic and polar, with leucine, which is neutral and non-polar, at codon 1273 of the POLE protein (p.Arg1273Leu). This variant is not present in population databases (gnomAD no frequency). This variant has not been reported in the literature in individuals affected with POLE-related conditions. ClinVar contains an entry for this variant (Variation ID: 405834). Invitae Evidence Modeling of protein sequence and biophysical properties (such as structural, functional, and spatial information, amino acid conservation, physicochemical variation, residue mobility, and thermodynamic stability) indicates that this missense variant is not expected to disrupt POLE protein function with a negative predictive value of 80%. In summary, the available evidence is currently insufficient to determine the role of this variant in disease. Therefore, it has been classified as a Variant of Uncertain Significance.

Ambry Genetics
Classification: Likely benign for Hereditary cancer-predisposing syndrome. Last evaluated: 2024-12-20. Review status: criteria provided, single submitter. Criteria: Ambry Variant Classification Scheme 2023. Collection method: clinical testing. Allele origin: germline.

GeneDx
Classification: Uncertain significance. Last evaluated: 2023-06-18. Review status: criteria provided, single submitter. Criteria: GeneDx Variant Classification Process June 2021. Collection method: clinical testing. Allele origin: germline. Affected: yes.
Comment: Not observed at significant frequency in large population cohorts (gnomAD); In silico analysis supports that this missense variant does not alter protein structure/function; Has not been previously published as pathogenic or benign to our knowledge; This variant is associated with the following publications: (PMID: 29641532)

PreventionGenetics, part of Exact Sciences
Classification: Uncertain significance for POLE-related condition. Last evaluated: 2023-04-27. Review status: criteria provided, single submitter. Criteria: ACMG Guidelines, 2015. Collection method: clinical testing. Allele origin: germline.
Comment: The POLE c.3818G>T variant is predicted to result in the amino acid substitution p.Arg1273Leu. To our knowledge, this variant has not been reported in the literature or in a large population database, indicating this variant is rare. This variant is interpreted as uncertain in ClinVar. At this time, the clinical significance of this variant is uncertain due to the absence of conclusive functional and genetic evidence.